The following is an entry in ClinVar:

NM_001854.4(COL11A1):c.5099A>C (p.Lys1700Thr)

Genes: COL11A1 (collagen type XI alpha 1 chain; minus strand), LOC126805814 (P300/CBP strongly-dependent group 1 enhancer GRCh37_chr1:103344928-103346127; plus strand). Cytogenetic location: 1p21.1.
Variant type: single nucleotide variant.
Coding change: c.5099A>C on transcript NM_001854.4 (MANE Select); coding-DNA position 5099, A replaced by C.
Protein change: p.Lys1700Thr; replaces lysine 1700 with threonine.
Molecular consequence: missense variant. On other transcripts: non-coding transcript variant (1).
Genome position (GRCh38, 1-based): chr1:102,879,858, T>G on the plus strand (A>C on the coding strand, the complement: COL11A1 is on the minus strand). VCF-style: chr1-102879858-T-G. GRCh37 (hg19) VCF-style: chr1-103345414-T-G.
Other names: c.4982A>C, p.Lys1661Thr (NM_001190709.2); c.5135A>C, p.Lys1712Thr (NM_080629.3); c.4751A>C, p.Lys1584Thr (NM_080630.4); short protein forms K1584T, K1661T, K1700T, K1712T.
Identifiers: ClinVar variation 1311019 (VCV001311019.3), dbSNP rs749253142, ClinGen allele CA973304.

ClinVar aggregate classification (germline): Uncertain significance (1 of 4 stars; one submission).

Allele frequency attached by ClinVar (database versions not stated): ExAC 0.00001; gnomAD exomes 0.00001.
gnomAD v4.1: 18 of 1,613,908 alleles (0.0011%); highest among the groups gnomAD compares: Admixed American, 0.0017%; no homozygotes.

Submission:

GeneDx
Classification: Uncertain significance. Last evaluated: 2022-09-02. Review status: criteria provided, single submitter. Criteria: GeneDx Variant Classification Process June 2021. Collection method: clinical testing. Allele origin: germline. Affected: yes.
Comment: Has not been previously published as pathogenic or benign to our knowledge; Not observed at significant frequency in large population cohorts (gnomAD); In silico analysis supports that this missense variant has a deleterious effect on protein structure/function; Not located in the triple helical region, where the majority of pathogenic missense variants occur (HGMD; Acke et al., 2014); This variant is associated with the following publications: (PMID: 25240749)